The following is an entry in ClinVar:

NM_002547.3(OPHN1):c.1420+3_1420+14del

Gene: OPHN1 (oligophrenin 1; minus strand). Cytogenetic location: Xq12.
Variant type: Deletion.
Coding change: c.1420+3_1420+14del on transcript NM_002547.3 (MANE Select); bases 3 to 14 of the intron after coding-DNA position 1420, 12 bases deleted (AAGTATTTATGT).
Molecular consequence: splice donor variant.
Genome position (GRCh38, 1-based): chrX:68,113,167-68,113,178, ACATAAATACTT deleted on the plus strand (AAGTATTTATGT on the coding strand, the reverse complement: OPHN1 is on the minus strand); deleting any 12 consecutive bases within chrX:68,113,167-68,113,180 gives the same sequence; the c. name uses the placement nearest the transcript's 3' end. VCF-style (leftmost placement, unchanged base first): chrX-68113166-AACATAAATACTT-A. GRCh37 (hg19) VCF-style: chrX-67333008-AACATAAATACTT-A.
Identifiers: ClinVar variation 3256923 (VCV003256923.2).
Genomic context (GRCh38, chrX:68,113,166, plus strand): 5'-ACAATTTTCTAGGCTTATTGCAGTAAACATTAAGAAACTAGGACAACACAGTTAATTAGT[AACATAAATACTT>A]ACTGGCAGCAGAGACCAGCTCTTTGTGAAGTCTATAGGTCATGACAGGTTCAGAAAGATT-3'

ClinVar aggregate classification (germline): Uncertain significance (1 of 4 stars; one submission).

Conditions:
Intellectual developmental disorder, X-linked, syndromic, Billuart type. Also called: MENTAL RETARDATION, X-LINKED 60; X-linked intellectual disability-cerebellar hypoplasia syndrome. Identifiers: Orphanet 137831, MedGen C1845366, MONDO:0010337, OMIM 300486.

Submission:

Kasturba Medical College, Manipal, Kasturba Medical College, Manipal, Manipal Academy of Higher Education, Manipal, India
Classification: Uncertain significance for Intellectual developmental disorder, X-linked, syndromic, Billuart type. Review status: criteria provided, single submitter. Criteria: ACMG Guidelines, 2015. Collection method: clinical testing. Allele origin: maternal. Inheritance: X-linked recessive inheritance. Affected: yes. Observed: 1 hemizygote.
Comment: In-silico prediction tool (SpliceAI) predicts the variant g.68113169_68113180del to cause aberrant splicing and impair the OPHN1 protein function. The clinical features observed in the proband are in concordance with intellectual development disorder, X-linked, Billuart type.